The following is an entry in ClinVar:

NM_005902.4(SMAD3):c.6G>A (p.Ser2=)

Genes: SMAD3 (SMAD family member 3; plus strand), LOC130057352 (ATAC-STARR-seq lymphoblastoid silent region 6574; plus strand). Cytogenetic location: 15q22.33.
Variant type: single nucleotide variant.
Coding change: c.6G>A on transcript NM_005902.4 (MANE Select); coding-DNA position 6, G replaced by A.
Protein change: p.Ser2=; no amino-acid change (serine 2 retained).
Molecular consequence: synonymous variant.
Genome position (GRCh38, 1-based): chr15:67,066,160, G>A. VCF-style: chr15-67066160-G-A. GRCh37 (hg19) VCF-style: chr15-67358498-G-A.
Identifiers: ClinVar variation 770040 (VCV000770040.14), dbSNP rs775955959, ClinGen allele CA062589.

ClinVar aggregate classification (germline): Likely benign. Review status: criteria provided, multiple submitters, no conflicts (2 of 4 stars). 4 submissions from 4 submitters: Likely benign (4). Last evaluated 2025-01-30.

Conditions:
Aneurysm-osteoarthritis syndrome. Also called: SMAD3-Related Loeys-Dietz Syndrome; ANEURYSMS-OSTEOARTHRITIS SYNDROME; Loeys-Dietz syndrome, type 1C; LOEYS-DIETZ SYNDROME WITH OSTEOARTHRITIS. Identifiers: Orphanet 284984, MedGen C3151087, MONDO:0013426, OMIM 613795.
Familial thoracic aortic aneurysm and aortic dissection (TAAD). Also called: Thoracic aortic aneurysms and dissections. Identifiers: Orphanet 91387, MedGen C4707243, MONDO:0019625.

Allele frequency attached by ClinVar (database versions not stated): gnomAD 0.00001; gnomAD exomes 0.00001; ExAC 0.00002; TOPMed 0.00002.
gnomAD v4.1: 9 of 1,596,384 alleles (0.00056%); highest among the groups gnomAD compares: Non-Finnish European, 0.00068%; no homozygotes.

Submissions (4):

Labcorp Genetics (formerly Invitae), Labcorp
Classification: Likely benign for Familial thoracic aortic aneurysm and aortic dissection. Last evaluated: 2025-01-30. Review status: criteria provided, single submitter. Criteria: Invitae Variant Classification Sherloc (09022015). Collection method: clinical testing. Allele origin: germline.

All of Us Research Program, National Institutes of Health
Classification: Likely benign for Aneurysm-osteoarthritis syndrome. Last evaluated: 2024-05-30. Review status: criteria provided, single submitter. Criteria: ACMG Guidelines, 2015. Collection method: clinical testing. Allele origin: germline. Inheritance: Autosomal dominant inheritance. Observed: 1 variant allele, 1 heterozygote.
Comment: This study involves interpretation of variants in research participants for the purpose of population health screening. Participant phenotype was not available at the time of variant classification. Additional details can be found in publication PMID: 35346344, PMCID: PMC8962531

Ambry Genetics
Classification: Likely benign for Familial thoracic aortic aneurysm and aortic dissection. Last evaluated: 2020-09-10. Review status: criteria provided, single submitter. Criteria: Ambry Variant Classification Scheme 2023. Collection method: clinical testing. Allele origin: germline.

Color Diagnostics, LLC DBA Color Health
Classification: Likely benign for Familial thoracic aortic aneurysm and aortic dissection. Last evaluated: 2020-01-15. Review status: criteria provided, single submitter. Criteria: ACMG Guidelines, 2015. Collection method: clinical testing. Allele origin: germline.